The following is an entry in ClinVar:

ClinVar aggregate classification (germline): Uncertain significance (1 of 4 stars; one submission).

Conditions:
CEP290-related disorder. Also called: CEP290-related disorders; CEP290-related condition. Identifiers: MedGen CN239314.

Submission:

PreventionGenetics, part of Exact Sciences
Classification: Uncertain significance for CEP290-related condition. Last evaluated: 2025-08-24. Review status: criteria provided, single submitter. Criteria: ACMG Guidelines, 2015. Collection method: clinical testing. Allele origin: germline.
Comment: The CEP290 c.6326_6328delAAG variant is predicted to result in an in-frame deletion (p.Glu2109del). To our knowledge, this variant has not been reported in the literature or in a large population database (gnomAD), indicating this variant is rare. At this time, the clinical significance of this variant is uncertain due to the absence of conclusive functional and genetic evidence.

NM_025114.4(CEP290):c.6326_6328del (p.Glu2109del)

Genes: CEP290 (centrosomal protein 290; minus strand), LOC129390514 (MPRA-validated peak1864 silencer; plus strand). Cytogenetic location: 12q21.32.
Variant type: Deletion.
Coding change: c.6326_6328del on transcript NM_025114.4 (MANE Select); coding-DNA positions 6326 to 6328, 3 bases deleted (AAG; older notation c.6326_6328delAAG).
Protein change: p.Glu2109del; deletes glutamic acid 2109.
Molecular consequence: inframe deletion.
Genome position (GRCh38, 1-based): chr12:88,062,721-88,062,723, CTT deleted on the plus strand (AAG on the coding strand, the reverse complement: CEP290 is on the minus strand); deleting any 3 consecutive bases within chr12:88,062,721-88,062,725 gives the same sequence; the c. name uses the placement nearest the transcript's 3' end. VCF-style (leftmost placement, unchanged base first): chr12-88062720-ACTT-A. GRCh37 (hg19) VCF-style: chr12-88456497-ACTT-A.
Other names: short protein forms E2109del.
Identifiers: ClinVar variation 4992971 (VCV004992971.1).
Genomic context (GRCh38, chr12:88,062,720, plus strand): 5'-CCAAAACAAATGTATGGTAAATTCTCACATACCCCTCTAACATGGCCAAGTTTCCGCTGA[ACTT>A]CTGCTTTTTCTTTCTTAAGAAATTCACACATTTCCTTCAAATCTCTGACTTGATTCTGAA-3'